The following is an entry in ClinVar:

ClinVar aggregate classification (germline): Conflicting classifications of pathogenicity. Review status: criteria provided, conflicting classifications (1 of 4 stars). 3 submissions from 3 submitters: Uncertain significance (2); Likely benign (1). Last evaluated 2025-10-27.

Conditions:
Hyperinsulinemic hypoglycemia, familial, 1 (HHF1). Also called: NESIDIOBLASTOSIS OF PANCREAS; Persistent hyperinsulinemic hypoglycemia of infancy; HYPERINSULINISM, FAMILIAL, WITH PANCREATIC NESIDIOBLASTOSIS; HYPOGLYCEMIA, HYPERINSULINEMIC, OF INFANCY; Persistent Hyperinsulinemia Hypoglycemia of Infancy. Identifiers: Orphanet 276575, Orphanet 276598, MedGen C2931832, MONDO:0009734, OMIM 256450.

Allele frequency attached by ClinVar (database versions not stated): gnomAD 0.00001; TOPMed 0.00002.

Submissions (3):

Women's Health and Genetics/Laboratory Corporation of America, LabCorp
Classification: Uncertain significance. Last evaluated: 2025-10-27. Review status: criteria provided, single submitter. Criteria: LabCorp Variant Classification Summary - May 2015. Collection method: clinical testing. Allele origin: germline.
Comment: Variant summary: ABCC8 c.602C>T (p.Pro201Leu) results in a non-conservative amino acid change in the encoded protein sequence. Algorithms developed to predict the effect of missense changes on protein structure and function all suggest that this variant is likely to be disruptive. The variant was absent in 251210 control chromosomes (gnomAD). The available data on variant occurrences in the general population are insufficient to allow any conclusion about variant significance. c.602C>T has been observed in an individual(s) affected with Hyperinsulinism (De Franco_2020). This report does not provide unequivocal conclusions about association of the variant with Familial Hyperinsulinism. To our knowledge, no experimental evidence demonstrating an impact on protein function has been reported. The following publications have been ascertained in the context of this evaluation (PMID: 32041611, 32027066). ClinVar contains an entry for this variant (Variation ID: 802660). Based on the evidence outlined above, the variant was classified as uncertain significance.

Labcorp Genetics (formerly Invitae), Labcorp
Classification: Uncertain significance. Last evaluated: 2022-01-20. Review status: criteria provided, single submitter. Criteria: Invitae Variant Classification Sherloc (09022015). Collection method: clinical testing. Allele origin: germline.
Comment: This sequence change replaces proline, which is neutral and non-polar, with leucine, which is neutral and non-polar, at codon 201 of the ABCC8 protein (p.Pro201Leu). This variant is not present in population databases (gnomAD no frequency). This variant has not been reported in the literature in individuals affected with ABCC8-related conditions. ClinVar contains an entry for this variant (Variation ID: 802660). Algorithms developed to predict the effect of missense changes on protein structure and function are either unavailable or do not agree on the potential impact of this missense change (SIFT: "Deleterious"; PolyPhen-2: "Possibly Damaging"; Align-GVGD: "Class C0"). In summary, the available evidence is currently insufficient to determine the role of this variant in disease. Therefore, it has been classified as a Variant of Uncertain Significance.

Mendelics
Classification: Likely benign for Hyperinsulinemic hypoglycemia, familial, 1. Last evaluated: 2019-05-28. Review status: criteria provided, single submitter. Criteria: Mendelics Assertion Criteria 2017. Collection method: clinical testing. Allele origin: unknown.

Literature cited by the submitters: PubMed 32027066 (cited by Women's Health and Genetics/Laboratory Corporation of America, LabCorp); PubMed 32041611 (cited by Women's Health and Genetics/Laboratory Corporation of America, LabCorp).

NM_000352.6(ABCC8):c.602C>T (p.Pro201Leu)

Gene: ABCC8 (ATP binding cassette subfamily C member 8; minus strand). Cytogenetic location: 11p15.1.
Variant type: single nucleotide variant.
Coding change: c.602C>T on transcript NM_000352.6 (MANE Select); coding-DNA position 602, C replaced by T.
Protein change: p.Pro201Leu; replaces proline 201 with leucine.
Molecular consequence: missense variant. On other transcripts: non-coding transcript variant (1).
Genome position (GRCh38, 1-based): chr11:17,461,803, G>A on the plus strand (C>T on the coding strand, the complement: ABCC8 is on the minus strand). VCF-style: chr11-17461803-G-A. GRCh37 (hg19) VCF-style: chr11-17483350-G-A.
Other names: c.602C>T, p.Pro201Leu (NM_001287174.3, NM_001351295.2, NM_001351296.2 and 1 more transcripts); short protein forms P201L.
Identifiers: ClinVar variation 802660 (VCV000802660.4), dbSNP rs933815442, ClinGen allele CA379779280.